The following is an entry in ClinVar:

ClinVar aggregate classification (germline): Likely benign. Review status: criteria provided, multiple submitters, no conflicts (2 of 4 stars). 3 submissions from 3 submitters: Likely benign (2). 1 of the submissions does not count toward it. Last evaluated 2025-12-13.

Conditions:
COG5-congenital disorder of glycosylation. Also called: CONGENITAL DISORDER OF GLYCOSYLATION, TYPE IIi; COG5-CDG; CDG IIi. Identifiers: Orphanet 263487, MedGen C3150876, MONDO:0013325, OMIM 613612.
COG5-related disorder. Also called: COG5-related condition.

Allele frequency attached by ClinVar (database versions not stated): ExAC 0.00006; ESP Exome Variant Server 0.00008; gnomAD exomes 0.00009; 1000 Genomes Project 30x 0.00016; 1000 Genomes Project 0.00020.
gnomAD v4.1: 95 of 1,614,122 alleles (0.0059%); highest among the groups gnomAD compares: African/African-American, 0.023%; no homozygotes.

Submissions (3):

Labcorp Genetics (formerly Invitae), Labcorp
Classification: Likely benign for COG5-congenital disorder of glycosylation. Last evaluated: 2025-12-13. Review status: criteria provided, single submitter. Criteria: Invitae Variant Classification Sherloc (09022015). Collection method: clinical testing. Allele origin: germline.

Blueprint Genetics
Classification: Likely benign. Last evaluated: 2023-04-27. Review status: criteria provided, single submitter. Criteria: ACMG Guidelines, 2015. Collection method: clinical testing. Allele origin: germline.

PreventionGenetics, part of Exact Sciences
Classification: Likely benign for COG5-related condition. Last evaluated: 2019-11-25. Review status: no assertion criteria provided. Collection method: clinical testing. Allele origin: germline. Not counted in ClinVar's aggregate classification.
Comment: This variant is classified as likely benign based on ACMG/AMP sequence variant interpretation guidelines (Richards et al. 2015 PMID: 25741868, with internal and published modifications).

NM_006348.5(COG5):c.2215T>C (p.Leu739=)

Gene: COG5 (component of oligomeric golgi complex 5; minus strand). Cytogenetic location: 7q22.3.
Variant type: single nucleotide variant.
Coding change: c.2215T>C on transcript NM_006348.5 (MANE Select); coding-DNA position 2215, T replaced by C.
Protein change: p.Leu739=; no amino-acid change (leucine 739 retained).
Molecular consequence: synonymous variant. On other transcripts: intron variant (1).
Genome position (GRCh38, 1-based): chr7:107,211,179, A>G on the plus strand (T>C on the coding strand, the complement: COG5 is on the minus strand). VCF-style: chr7-107211179-A-G. GRCh37 (hg19) VCF-style: chr7-106851624-A-G.
Other names: c.2308T>C (NM_006348.3); c.2215T>C, p.Leu739= (NM_001161520.2); c.2053T>C, p.Leu685= (NM_001379511.1); c.2041T>C, p.Leu681= (NM_001379512.1); c.1900T>C, p.Leu634= (NM_001379514.1); c.1645T>C, p.Leu549= (NM_001379515.1); c.1501T>C, p.Leu501= (NM_001379516.1); c.2152T>C, p.Leu718= (NM_181733.4); and 1 more.
Identifiers: ClinVar variation 1581716 (VCV001581716.11), dbSNP rs374796275, ClinGen allele CA4430652.
Genomic context (GRCh38, chr7:107,211,179, plus strand): 5'-CAGCGGGTGCTCTCGTGAACAAAAACTGAATAATGATGCTGAACGGAATCACATCCCCCA[A>G]TGCAGGACTACTGGCTACATGTTCACTTGCCTGGAAGAGCAGAGGTCTAGACGGGAAAAA-3'
Protein context (NP_006339.4, residues 729-749): ASEHVASSPA[Leu739=]GDVIPFSIII